The following is an entry in ClinVar:

ClinVar aggregate classification (germline): Conflicting classifications of pathogenicity. Review status: criteria provided, conflicting classifications (1 of 4 stars). 8 submissions from 7 submitters: Uncertain significance (2); Likely benign (6). Last evaluated 2026-01-13.

Conditions:
Susceptibility to mononeuropathy of the median nerve, mild. Also called: CARPAL TUNNEL SYNDROME, SUSCEPTIBILITY TO. Identifiers: MedGen C3150596, MONDO:0013237, OMIM 613353.
Charcot-Marie-Tooth disease type 4C (CMT4C). Also called: Charcot-Marie-Tooth Neuropathy Type 4C (CMT4C); CHARCOT-MARIE-TOOTH DISEASE, DEMYELINATING, TYPE 4C; CHARCOT-MARIE-TOOTH DISEASE, DEMYELINATING, AUTOSOMAL RECESSIVE, TYPE 4C; CMT 4C; SH3TC2-Related Hereditary Motor and Sensory Neuropathy. Identifiers: Orphanet 99949, MedGen C1866636, MONDO:0011113, OMIM 601596.
Inborn genetic diseases. Identifiers: MedGen C0950123, MeSH D030342.
Charcot-Marie-Tooth disease type 4. Also called: Charcot-Marie-Tooth disease, type IV; Charcot-Marie-Tooth, Type 4. Identifiers: Orphanet 64749, MedGen C4082197, MONDO:0018995.

Allele frequency attached by ClinVar (database versions not stated): ExAC 0.00015; 1000 Genomes Project 30x 0.00016; 1000 Genomes Project 0.00020; TOPMed 0.00005; gnomAD 0.00006 and 0.00007.
gnomAD v4.1: 137 of 1,613,632 alleles (0.0085%); highest among the groups gnomAD compares: Middle Eastern, 0.21%; 2 homozygotes.

Submissions (8):

Labcorp Genetics (formerly Invitae), Labcorp
Classification: Likely benign for Charcot-Marie-Tooth disease type 4. Last evaluated: 2026-01-13. Review status: criteria provided, single submitter. Criteria: Invitae Variant Classification Sherloc (09022015). Collection method: clinical testing. Allele origin: germline.

Mayo Clinic Laboratories, Mayo Clinic
Classification: Likely benign. Last evaluated: 2025-03-15. Review status: criteria provided, single submitter. Criteria: ACMG Guidelines, 2015. Collection method: clinical testing. Allele origin: germline. Observed: 1 variant allele.
Comment: BS1, BP4, BP7

Blueprint Genetics
Classification: Likely benign. Last evaluated: 2024-09-02. Review status: criteria provided, single submitter. Criteria: ACMG Guidelines, 2015. Collection method: clinical testing. Allele origin: germline.

CeGaT Center for Human Genetics Tuebingen
Classification: Likely benign. Last evaluated: 2021-12-01. Review status: criteria provided, single submitter. Criteria: CeGaT Center For Human Genetics Tuebingen Variant Classification Criteria Version 2. Collection method: clinical testing. Allele origin: germline. Affected: yes. Observed: 1 variant allele.

Ambry Genetics
Classification: Likely benign for Inborn genetic diseases. Last evaluated: 2019-07-11. Review status: criteria provided, single submitter. Criteria: Ambry Variant Classification Scheme 2023. Collection method: clinical testing. Allele origin: germline.

Illumina Laboratory Services, Illumina
Classification: Uncertain significance for Charcot-Marie-Tooth disease type 4C. Last evaluated: 2018-01-13. Review status: criteria provided, single submitter. Criteria: ICSL Variant Classification Criteria 13 December 2019. Collection method: clinical testing. Allele origin: germline.

Illumina Laboratory Services, Illumina
Classification: Uncertain significance for Susceptibility to mononeuropathy of the median nerve, mild. Last evaluated: 2018-01-13. Review status: criteria provided, single submitter. Criteria: ICSL Variant Classification Criteria 13 December 2019. Collection method: clinical testing. Allele origin: germline.

GeneDx
Classification: Likely benign. Last evaluated: 2016-03-03. Review status: criteria provided, single submitter. Criteria: GeneDx Variant Classification (06012015). Collection method: clinical testing. Allele origin: germline. Affected: yes.
Comment: This variant is considered likely benign or benign based on one or more of the following criteria: it is a conservative change, it occurs at a poorly conserved position in the protein, it is predicted to be benign by multiple in silico algorithms, and/or has population frequency not consistent with disease.

NM_024577.4(SH3TC2):c.285C>T (p.Leu95=)

Gene: SH3TC2 (SH3 domain and tetratricopeptide repeats 2; minus strand). Cytogenetic location: 5q32.
Variant type: single nucleotide variant.
Coding change: c.285C>T on transcript NM_024577.4 (MANE Select); coding-DNA position 285, C replaced by T.
Protein change: p.Leu95=; no amino-acid change (leucine 95 retained).
Molecular consequence: synonymous variant.
Genome position (GRCh38, 1-based): chr5:149,044,633, G>A on the plus strand (C>T on the coding strand, the complement: SH3TC2 is on the minus strand). VCF-style: chr5-149044633-G-A. GRCh37 (hg19) VCF-style: chr5-148424196-G-A.
Other names: p.Leu95=.
Identifiers: ClinVar variation 351921 (VCV000351921.53), dbSNP rs574669908, ClinGen allele CA3499547.